The following is an entry in ClinVar:

ClinVar aggregate classification (germline): Uncertain significance (1 of 4 stars; one submission).

Conditions:
Megalencephaly-polymicrogyria-postaxial polydactyly-hydrocephalus syndrome. Also called: MEG-PMG-MEGACC SYNDROME; MPPH Syndrome. Identifiers: Orphanet 83473, MedGen C1863924, MONDO:0019375.

Submission:

Labcorp Genetics (formerly Invitae), Labcorp
Classification: Uncertain significance for Megalencephaly-polymicrogyria-postaxial polydactyly-hydrocephalus syndrome. Last evaluated: 2025-04-20. Review status: criteria provided, single submitter. Criteria: Invitae Variant Classification Sherloc (09022015). Collection method: clinical testing. Allele origin: germline.
Comment: This sequence change affects an acceptor splice site in intron 8 of the PIK3R2 gene. It is expected to disrupt RNA splicing. Variants that disrupt the donor or acceptor splice site typically lead to a loss of protein function (PMID: 16199547), however the current clinical and genetic evidence is not sufficient to establish whether loss-of-function variants in PIK3R2 cause disease. This variant is not present in population databases (gnomAD no frequency). This variant has not been reported in the literature in individuals affected with PIK3R2-related conditions. Algorithms developed to predict the effect of sequence changes on RNA splicing suggest that this variant may disrupt the consensus splice site. In summary, the available evidence is currently insufficient to determine the role of this variant in disease. Therefore, it has been classified as a Variant of Uncertain Significance.

Literature cited by the submitters: PubMed 16199547.

NM_005027.4(PIK3R2):c.1011-2A>T

Gene: PIK3R2 (phosphoinositide-3-kinase regulatory subunit 2; plus strand). Cytogenetic location: 19p13.11.
Variant type: single nucleotide variant.
Coding change: c.1011-2A>T on transcript NM_005027.4 (MANE Select); the canonical splice acceptor site of the intron before coding-DNA position 1011, A replaced by T.
Molecular consequence: splice acceptor variant.
Genome position (GRCh38, 1-based): chr19:18,162,406, A>T. VCF-style: chr19-18162406-A-T. GRCh37 (hg19) VCF-style: chr19-18273216-A-T.
Identifiers: ClinVar variation 4718013 (VCV004718013.1).